The following is an entry in ClinVar:

ClinVar aggregate classification (germline): Uncertain significance (1 of 4 stars; one submission).

Conditions:
Cardiovascular phenotype. Identifiers: MedGen CN230736.

Submission:

Ambry Genetics
Classification: Uncertain significance for Cardiovascular phenotype. Last evaluated: 2023-07-24. Review status: criteria provided, single submitter. Criteria: Ambry Variant Classification Scheme 2023. Collection method: clinical testing. Allele origin: germline.
Comment: The p.Q858* variant (also known as c.2572C>T), located in coding exon 21 of the ACTN2 gene, results from a C to T substitution at nucleotide position 2572. This changes the amino acid from a glutamine to a stop codon within coding exon 21. This alteration occurs at the 3' terminus of theACTN2 gene, is not expected to trigger nonsense-mediated mRNA decay, and only impacts the 37 amino acids of the protein. The exact functional effect of this alteration is unknown, and loss of function of ACTN2 has not been clearly established as a mechanism of disease. Since supporting evidence is limited at this time, the clinical significance of this alteration remains unclear.

NM_001103.4(ACTN2):c.2572C>T (p.Gln858Ter)

Gene: ACTN2 (actinin alpha 2; plus strand). Cytogenetic location: 1q43.
Variant type: single nucleotide variant.
Coding change: c.2572C>T on transcript NM_001103.4 (MANE Select); coding-DNA position 2572, C replaced by T.
Protein change: p.Gln858Ter; replaces glutamine 858 with a stop codon.
Molecular consequence: nonsense. On other transcripts: non-coding transcript variant (1).
Genome position (GRCh38, 1-based): chr1:236,762,506, C>T. VCF-style: chr1-236762506-C-T. GRCh37 (hg19) VCF-style: chr1-236925806-C-T.
Other names: c.2572C>T, p.Gln858Ter (NM_001278343.2); c.1948C>T, p.Gln650Ter (NM_001278344.2); c.1822C>T, p.Gln608Ter (NM_001412150.1); short protein forms Q650*, Q858*, Q608*.
Identifiers: ClinVar variation 2625127 (VCV002625127.2), dbSNP rs2527669776, ClinGen allele CA345392200.